The following is an entry in ClinVar:

ClinVar aggregate classification (germline): Uncertain significance (1 of 4 stars; one submission).

Submission:

Labcorp Genetics (formerly Invitae), Labcorp
Classification: Uncertain significance. Last evaluated: 2021-08-14. Review status: criteria provided, single submitter. Criteria: Invitae Variant Classification Sherloc (09022015). Collection method: clinical testing. Allele origin: germline.
Comment: This sequence change replaces arginine with cysteine at codon 5 of the ECHS1 protein (p.Arg5Cys). The arginine residue is weakly conserved and there is a large physicochemical difference between arginine and cysteine. The frequency data for this variant in the population databases is considered unreliable, as metrics indicate insufficient coverage at this position in the ExAC database. This variant has not been reported in the literature in individuals affected with ECHS1-related conditions. Advanced modeling of protein sequence and biophysical properties (such as structural, functional, and spatial information, amino acid conservation, physicochemical variation, residue mobility, and thermodynamic stability) performed at Invitae indicates that this missense variant is expected to disrupt ECHS1 protein function. Algorithms developed to predict the effect of sequence changes on RNA splicing suggest that this variant may create or strengthen a splice site. In summary, the available evidence is currently insufficient to determine the role of this variant in disease. Therefore, it has been classified as a Variant of Uncertain Significance.

NM_004092.4(ECHS1):c.13C>T (p.Arg5Cys)

Genes: ECHS1 (enoyl-CoA hydratase, short chain 1; minus strand), LOC130005023 (ATAC-STARR-seq lymphoblastoid silent region 2977; plus strand). Cytogenetic location: 10q26.3.
Variant type: single nucleotide variant.
Coding change: c.13C>T on transcript NM_004092.4 (MANE Select); coding-DNA position 13, C replaced by T.
Protein change: p.Arg5Cys; replaces arginine 5 with cysteine.
Molecular consequence: missense variant.
Genome position (GRCh38, 1-based): chr10:133,373,321, G>A on the plus strand (C>T on the coding strand, the complement: ECHS1 is on the minus strand). VCF-style: chr10-133373321-G-A. GRCh37 (hg19) VCF-style: chr10-135186825-G-A.
Other names: short protein forms R5C.
Identifiers: ClinVar variation 1508228 (VCV001508228.5), dbSNP rs1468132563, ClinGen allele CA378824547.